The following is an entry in ClinVar:

ClinVar aggregate classification (germline): Uncertain significance (1 of 4 stars; one submission).

Submission:

Labcorp Genetics (formerly Invitae), Labcorp
Classification: Uncertain significance. Last evaluated: 2024-12-27. Review status: criteria provided, single submitter. Criteria: Invitae Variant Classification Sherloc (09022015). Collection method: clinical testing. Allele origin: germline.
Comment: This sequence change replaces alanine, which is neutral and non-polar, with threonine, which is neutral and polar, at codon 523 of the COL11A1 protein (p.Ala523Thr). This variant is present in population databases (rs148610199, gnomAD 0.0009%). This variant has not been reported in the literature in individuals affected with COL11A1-related conditions. Invitae Evidence Modeling of protein sequence and biophysical properties (such as structural, functional, and spatial information, amino acid conservation, physicochemical variation, residue mobility, and thermodynamic stability) indicates that this missense variant is not expected to disrupt COL11A1 protein function with a negative predictive value of 80%. In summary, the available evidence is currently insufficient to determine the role of this variant in disease. Therefore, it has been classified as a Variant of Uncertain Significance.

NM_001854.4(COL11A1):c.1567G>A (p.Ala523Thr)

Gene: COL11A1 (collagen type XI alpha 1 chain; minus strand). Cytogenetic location: 1p21.1.
Variant type: single nucleotide variant.
Coding change: c.1567G>A on transcript NM_001854.4 (MANE Select); coding-DNA position 1567, G replaced by A.
Protein change: p.Ala523Thr; replaces alanine 523 with threonine.
Molecular consequence: missense variant. On other transcripts: non-coding transcript variant (1).
Genome position (GRCh38, 1-based): chr1:103,014,516, C>T on the plus strand (G>A on the coding strand, the complement: COL11A1 is on the minus strand). VCF-style: chr1-103014516-C-T. GRCh37 (hg19) VCF-style: chr1-103480072-C-T.
Other names: c.1450G>A, p.Ala484Thr (NM_001190709.2); c.1603G>A, p.Ala535Thr (NM_080629.3); c.1219G>A, p.Ala407Thr (NM_080630.4); short protein forms A407T, A523T, A535T, A484T.
Identifiers: ClinVar variation 3684220 (VCV003684220.2).